The following is an entry in ClinVar:

NM_145239.3(PRRT2):c.680G>A (p.Arg227Gln)

Genes: MVP-DT (MVP divergent transcript; minus strand), PRRT2 (proline rich transmembrane protein 2; plus strand). Cytogenetic location: 16p11.2.
Variant type: single nucleotide variant.
Coding change: c.680G>A on transcript NM_145239.3 (MANE Select); coding-DNA position 680, G replaced by A.
Protein change: p.Arg227Gln; replaces arginine 227 with glutamine.
Molecular consequence: missense variant.
Genome position (GRCh38, 1-based): chr16:29,813,734, G>A. VCF-style: chr16-29813734-G-A. GRCh37 (hg19) VCF-style: chr16-29825055-G-A.
Other names: c.680G>A, p.Arg227Gln (NM_001256442.2, NM_001256443.2); short protein forms R227Q.
Identifiers: ClinVar variation 536485 (VCV000536485.10), dbSNP rs200849527, ClinGen allele CA7994570.

ClinVar aggregate classification (germline): Uncertain significance (1 of 4 stars; one submission).

Conditions:
Episodic kinesigenic dyskinesia (EKD). Also called: Paroxysmal kinesigenic dyskinesia. Identifiers: Orphanet 98809, MedGen C1868682, MONDO:0044202.

Allele frequency attached by ClinVar (database versions not stated): ExAC 0.00001; gnomAD exomes 0.00001; TOPMed 0.00002.
gnomAD v4.1: 26 of 1,581,488 alleles (0.0016%); highest among the groups gnomAD compares: South Asian, 0.0046%; no homozygotes.

Submission:

Labcorp Genetics (formerly Invitae), Labcorp
Classification: Uncertain significance for Episodic kinesigenic dyskinesia. Last evaluated: 2025-02-06. Review status: criteria provided, single submitter. Criteria: Invitae Variant Classification Sherloc (09022015). Collection method: clinical testing. Allele origin: germline.
Comment: This sequence change replaces arginine, which is basic and polar, with glutamine, which is neutral and polar, at codon 227 of the PRRT2 protein (p.Arg227Gln). This variant is present in population databases (rs200849527, gnomAD 0.003%). This missense change has been observed in individual(s) with paroxysmal kinesigenic dyskinesia (PMID: 34825340). ClinVar contains an entry for this variant (Variation ID: 536485). Invitae Evidence Modeling of protein sequence and biophysical properties (such as structural, functional, and spatial information, amino acid conservation, physicochemical variation, residue mobility, and thermodynamic stability) indicates that this missense variant is not expected to disrupt PRRT2 protein function with a negative predictive value of 95%. In summary, the available evidence is currently insufficient to determine the role of this variant in disease. Therefore, it has been classified as a Variant of Uncertain Significance.

Literature cited by the submitters: PubMed 34825340.